The following is an entry in ClinVar:

NM_001024630.4(RUNX2):c.159ACAGCAGCAGCAGCA[1] (p.Gln67_Gln71del)

Genes: RUNX2 (RUNX family transcription factor 2; plus strand), LOC109611589 (runt related transcription factor 2 polyalanine expansion region; plus strand). Cytogenetic location: 6p21.1.
Variant type: Microsatellite.
Coding change: c.159ACAGCAGCAGCAGCA[1] on transcript NM_001024630.4 (MANE Select); one copy of the 15-base unit ACAGCAGCAGCAGCA starting at c.159; the reference has two copies in a row; one copy, 15 bases deleted.
Protein change: p.Gln67_Gln71del.
Molecular consequence: inframe deletion.
Genome position (GRCh38, 1-based): chr6:45,422,708-45,422,722, ACAGCAGCAGCAGCA deleted; deleting any 15 consecutive bases within chr6:45,422,682-45,422,722 gives the same sequence; the position shown is the placement nearest the transcript's 3' end. VCF-style (leftmost placement, unchanged base first): chr6-45422681-ACAGCAGCAGCAACAG-A. GRCh37 (hg19) VCF-style: chr6-45390418-ACAGCAGCAGCAACAG-A.
Other names: c.159ACAGCAGCAGCAGCA[1], p.Gln67_Gln71del (NM_001015051.4); c.117ACAGCAGCAGCAGCA[1], p.Gln53_Gln57del (NM_001278478.2, NM_001369405.1).
Identifiers: ClinVar variation 845536 (VCV000845536.8), dbSNP rs781355841, ClinGen allele CA3836269.
Genomic context (GRCh38, chr6:45,422,681, plus strand): 5'-CCCCTCCAGCAGCCTGCAGCCCGGCAAAATGAGCGACGTGAGCCCGGTGGTGGCTGCGCA[ACAGCAGCAGCAACAG>A]CAGCAGCAGCAACAGCAGCAGCAGCAGCAGCAACAGCAGCAGCAGCAGCAGGAGGCGGCG-3'

ClinVar aggregate classification (germline): Uncertain significance (1 of 4 stars; one submission).

Submission:

Labcorp Genetics (formerly Invitae), Labcorp
Classification: Uncertain significance. Last evaluated: 2026-01-03. Review status: criteria provided, single submitter. Criteria: Invitae Variant Classification Sherloc (09022015). Collection method: clinical testing. Allele origin: germline.
Comment: This variant, c.174_188del, results in the deletion of 5 amino acid(s) of the RUNX2 protein (p.Gln67_Gln71del), but otherwise preserves the integrity of the reading frame. The frequency data for this variant in the population databases is considered unreliable, as metrics indicate poor data quality at this position in the gnomAD database. This variant has not been reported in the literature in individuals affected with RUNX2-related conditions. ClinVar contains an entry for this variant (Variation ID: 845536). Experimental studies and prediction algorithms are not available or were not evaluated, and the functional significance of this variant is currently unknown. In summary, the available evidence is currently insufficient to determine the role of this variant in disease. Therefore, it has been classified as a Variant of Uncertain Significance.